The following is an entry in ClinVar:

ClinVar aggregate classification (germline): Uncertain significance (1 of 4 stars; one submission).

Conditions:
Hereditary spherocytosis type 1. Also called: Spherocytosis type 1; ANK1-Related Spherocytosis. Identifiers: Orphanet 822, MedGen C2674218, MONDO:0008447, OMIM 182900.

Submission:

3billion
Classification: Uncertain significance for Hereditary spherocytosis type 1. Last evaluated: 2025-12-31. Review status: criteria provided, single submitter. Criteria: ACMG Guidelines, 2015. Collection method: clinical testing. Allele origin: germline. Affected: yes.
Comment: The variant is not observed in the gnomAD v4.1.0 dataset. Predicted Consequence/Location: Missense variant. The majority of the known disease-causing variants of this gene are variants expected to result in premature termination of the protein. In silico tool predictions suggest damaging effect of the variant on gene or gene product [REVEL: 0.79 (>=0.6, sensitivity 0.68 and specificity 0.92)]. Different missense changes at the same codon (p.Pro1060Thr, p.Pro1060Leu) have been reported to be associated with ANK1-related disorder (PMID: 30486584, PMID: 31980736). However the evidence of pathogenicity is insufficient at this time. Therefore, this variant is classified as VUS according to the recommendation of ACMG/AMP guideline.

Literature cited by the submitters: PubMed 30486584.

NM_000037.4(ANK1):c.3179C>G (p.Pro1060Arg)

Gene: ANK1 (ankyrin 1; minus strand). Cytogenetic location: 8p11.21.
Variant type: single nucleotide variant.
Coding change: c.3179C>G on transcript NM_000037.4 (MANE Select); coding-DNA position 3179, C replaced by G.
Protein change: p.Pro1060Arg; replaces proline 1060 with arginine.
Molecular consequence: missense variant.
Genome position (GRCh38, 1-based): chr8:41,694,740, G>C on the plus strand (C>G on the coding strand, the complement: ANK1 is on the minus strand). VCF-style: chr8-41694740-G-C. GRCh37 (hg19) VCF-style: chr8-41552258-G-C.
Other names: c.3302C>G, p.Pro1101Arg (NM_001142446.2); c.3179C>G, p.Pro1060Arg (NM_020475.3, NM_020476.3, NM_020477.3); short protein forms P1060R, P1101R.
Identifiers: ClinVar variation 4854285 (VCV004854285.1).